The following is an entry in ClinVar:

ClinVar aggregate classification (germline): Conflicting classifications of pathogenicity. Review status: criteria provided, conflicting classifications (1 of 4 stars). 2 submissions from 2 submitters: Uncertain significance (1); Likely benign (1). Last evaluated 2024-12-16.

Conditions:
Inborn genetic diseases. Identifiers: MedGen C0950123, MeSH D030342.
Acute myeloid leukemia (AML). Also called: Acute myeloid leukemia, adult; AML adult; Acute non-lymphocytic leukemia; Acute granulocytic leukemia; Leukemia, acute myeloid, somatic; Leukemia, acute myelogenous, somatic. Identifiers: Orphanet 519, MedGen C0023467, MeSH D015470, MONDO:0018874, OMIM 601626, HP:0004808. Disease mechanism: Constitutively activated FLT3.

Allele frequency attached by ClinVar (database versions not stated): gnomAD 0.00002; TOPMed 0.00002.

Submissions (2):

Ambry Genetics
Classification: Likely benign for Inborn genetic diseases. Last evaluated: 2024-12-16. Review status: criteria provided, single submitter. Criteria: Ambry Variant Classification Scheme 2023. Collection method: clinical testing. Allele origin: germline.

Labcorp Genetics (formerly Invitae), Labcorp
Classification: Uncertain significance for Acute myeloid leukemia. Last evaluated: 2023-07-07. Review status: criteria provided, single submitter. Criteria: Invitae Variant Classification Sherloc (09022015). Collection method: clinical testing. Allele origin: germline.
Comment: This sequence change replaces phenylalanine, which is neutral and non-polar, with leucine, which is neutral and non-polar, at codon 179 of the CEBPA protein (p.Phe179Leu). This variant is not present in population databases (gnomAD no frequency). This variant has not been reported in the literature in individuals affected with CEBPA-related conditions. ClinVar contains an entry for this variant (Variation ID: 643825). An algorithm developed to predict the effect of missense changes on protein structure and function (PolyPhen-2) suggests that this variant is likely to be tolerated. In summary, the available evidence is currently insufficient to determine the role of this variant in disease. Therefore, it has been classified as a Variant of Uncertain Significance.

NM_004364.5(CEBPA):c.535T>C (p.Phe179Leu)

Gene: CEBPA (CCAAT enhancer binding protein alpha; minus strand). Cytogenetic location: 19q13.11.
Variant type: single nucleotide variant.
Coding change: c.535T>C on transcript NM_004364.5 (MANE Select); coding-DNA position 535, T replaced by C.
Protein change: p.Phe179Leu; replaces phenylalanine 179 with leucine.
Molecular consequence: missense variant.
Genome position (GRCh38, 1-based): chr19:33,301,880, A>G on the plus strand (T>C on the coding strand, the complement: CEBPA is on the minus strand). VCF-style: chr19-33301880-A-G. GRCh37 (hg19) VCF-style: chr19-33792786-A-G.
Other names: c.178T>C, p.Phe60Leu (NM_001285829.2); c.640T>C, p.Phe214Leu (NM_001287424.2); c.493T>C, p.Phe165Leu (NM_001287435.2); c.535T>C (NM_004364.3); short protein forms F179L, F60L, F165L, F214L.
Identifiers: ClinVar variation 643825 (VCV000643825.8), dbSNP rs1033194020, ClinGen allele CA307844295.